The following is an entry in ClinVar:

NM_001024630.4(RUNX2):c.249_254dup (p.Ala88_Ala89dup)

Genes: RUNX2 (RUNX family transcription factor 2; plus strand), LOC109611589 (runt related transcription factor 2 polyalanine expansion region; plus strand). Cytogenetic location: 6p21.1.
Variant type: Duplication.
Coding change: c.249_254dup on transcript NM_001024630.4 (MANE Select); coding-DNA positions 249 to 254, 6 bases duplicated (TGCGGC; older notation c.249_254dupTGCGGC).
Protein change: p.Ala88_Ala89dup.
Molecular consequence: inframe insertion.
Genome position (GRCh38, 1-based): chr6:45,422,783-45,422,788, TGCGGC duplicated; duplicating any 6 consecutive bases within chr6:45,422,778-45,422,788 gives the same sequence; the c. name uses the placement nearest the transcript's 3' end. VCF-style (leftmost placement, unchanged base first): chr6-45422777-G-GGCGGCT. GRCh37 (hg19) VCF-style: chr6-45390514-G-GGCGGCT.
Other names: c.249_254dup, p.Ala88_Ala89dup (NM_001015051.4); c.207_212dup, p.Ala74_Ala75dup (NM_001278478.2, NM_001369405.1).
Identifiers: ClinVar variation 1411304 (VCV001411304.6), dbSNP rs2150362449, ClinGen allele CA2573140916.

ClinVar aggregate classification (germline): Uncertain significance (1 of 4 stars; one submission).

Submission:

Labcorp Genetics (formerly Invitae), Labcorp
Classification: Uncertain significance. Last evaluated: 2025-07-10. Review status: criteria provided, single submitter. Criteria: Invitae Variant Classification Sherloc (09022015). Collection method: clinical testing. Allele origin: germline.
Comment: This variant, c.249_254dup, results in the insertion of 2 amino acid(s) of the RUNX2 protein (p.Ala88_Ala89dup), but otherwise preserves the integrity of the reading frame. This variant is not present in population databases (gnomAD no frequency). This variant has not been reported in the literature in individuals affected with RUNX2-related conditions. ClinVar contains an entry for this variant (Variation ID: 1411304). Experimental studies and prediction algorithms are not available or were not evaluated, and the functional significance of this variant is currently unknown. In summary, the available evidence is currently insufficient to determine the role of this variant in disease. Therefore, it has been classified as a Variant of Uncertain Significance.